The following is an entry in ClinVar:

NM_207122.2(EXT2):c.61A>G (p.Lys21Glu)

Gene: EXT2 (exostosin glycosyltransferase 2; plus strand). Cytogenetic location: 11p11.2.
Variant type: single nucleotide variant.
Coding change: c.61A>G on transcript NM_207122.2 (MANE Select); coding-DNA position 61, A replaced by G.
Protein change: p.Lys21Glu; replaces lysine 21 with glutamic acid.
Molecular consequence: missense variant.
Genome position (GRCh38, 1-based): chr11:44,107,773, A>G. VCF-style: chr11-44107773-A-G. GRCh37 (hg19) VCF-style: chr11-44129323-A-G.
Other names: c.160A>G, p.Lys54Glu (NM_000401.3); c.61A>G, p.Lys21Glu (NM_001178083.3, NM_001389628.1, NM_001389630.1); short protein forms K21E, K54E.
Identifiers: ClinVar variation 1511959 (VCV001511959.6), dbSNP rs2134965342, ClinGen allele CA380179535.
Genomic context (GRCh38, chr11:44,107,773, plus strand): 5'-ATGTGTGCGTCGGTCAAGTATAATATCCGGGGTCCTGCCCTCATCCCAAGAATGAAGACC[A>G]AGCACCGAATCTACTATATCACCCTCTTCTCCATTGTCCTCCTGGGCCTCATTGCCACTG-3'
Protein context (NP_997005.1, residues 11-31): GPALIPRMKT[Lys21Glu]HRIYYITLFS

ClinVar aggregate classification (germline): Uncertain significance (1 of 4 stars; one submission).

Conditions:
Exostoses, multiple, type 2 (EXT2). Also called: Hereditary Multiple Osteochondromatosis, Type II; EXOSTOSES, MULTIPLE, TYPE II. Identifiers: Orphanet 321, MedGen C1851413, MONDO:0007586, OMIM 133701.

Allele frequency attached by ClinVar (database versions not stated): gnomAD exomes below 0.00001.
gnomAD v4.1: 5 of 1,614,146 alleles (0.00031%); highest among the groups gnomAD compares: African/African-American, 0.0013%; no homozygotes.

Submission:

Labcorp Genetics (formerly Invitae), Labcorp
Classification: Uncertain significance for Exostoses, multiple, type 2. Last evaluated: 2024-02-24. Review status: criteria provided, single submitter. Criteria: Invitae Variant Classification Sherloc (09022015). Collection method: clinical testing. Allele origin: germline.
Comment: This sequence change replaces lysine, which is basic and polar, with glutamic acid, which is acidic and polar, at codon 21 of the EXT2 protein (p.Lys21Glu). This variant is not present in population databases (gnomAD no frequency). This variant has not been reported in the literature in individuals affected with EXT2-related conditions. ClinVar contains an entry for this variant (Variation ID: 1511959). An algorithm developed to predict the effect of missense changes on protein structure and function (PolyPhen-2) suggests that this variant is likely to be tolerated. In summary, the available evidence is currently insufficient to determine the role of this variant in disease. Therefore, it has been classified as a Variant of Uncertain Significance.